The following is an entry in ClinVar:

NM_004360.5(CDH1):c.2203G>A (p.Ala735Thr)

Gene: CDH1 (cadherin 1; plus strand). Cytogenetic location: 16q22.1.
Variant type: single nucleotide variant.
Coding change: c.2203G>A on transcript NM_004360.5 (MANE Select); coding-DNA position 2203, G replaced by A.
Protein change: p.Ala735Thr; replaces alanine 735 with threonine.
Molecular consequence: missense variant.
Genome position (GRCh38, 1-based): chr16:68,828,212, G>A. VCF-style: chr16-68828212-G-A. GRCh37 (hg19) VCF-style: chr16-68862115-G-A.
Other names: c.2020G>A, p.Ala674Thr (NM_001317184.2); c.655G>A, p.Ala219Thr (NM_001317185.2); c.238G>A, p.Ala80Thr (NM_001317186.2); short protein forms A219T, A735T, A674T, A80T.
Identifiers: ClinVar variation 2010265 (VCV002010265.6), dbSNP rs2152141426, ClinGen allele CA396469538.

ClinVar aggregate classification (germline): Uncertain significance. Review status: criteria provided, multiple submitters, no conflicts (2 of 4 stars). 2 submissions from 2 submitters: Uncertain significance (2). Last evaluated 2022-12-01.

Conditions:
Hereditary diffuse gastric adenocarcinoma (HDGC). Also called: DIFFUSE GASTRIC AND LOBULAR BREAST CANCER SYNDROME. Identifiers: Orphanet 26106, MedGen C1708349, MONDO:0007648, OMIM 137215.
Hereditary cancer-predisposing syndrome. Also called: Neoplastic Syndromes, Hereditary; Hereditary neoplastic syndrome; Tumor predisposition; Hereditary Cancer Syndrome. Identifiers: Orphanet 140162, MedGen C0027672, MeSH D009386, MONDO:0015356.

Submissions (2):

Ambry Genetics
Classification: Uncertain significance for Hereditary cancer-predisposing syndrome. Last evaluated: 2022-12-01. Review status: criteria provided, single submitter. Criteria: Ambry Variant Classification Scheme 2023. Collection method: clinical testing. Allele origin: germline.
Comment: The p.A735T variant (also known as c.2203G>A), located in coding exon 14 of the CDH1 gene, results from a G to A substitution at nucleotide position 2203. The alanine at codon 735 is replaced by threonine, an amino acid with similar properties. This amino acid position is conserved. In addition, this alteration is predicted to be tolerated by in silico analysis. Since supporting evidence is limited at this time, the clinical significance of this alteration remains unclear.

Labcorp Genetics (formerly Invitae), Labcorp
Classification: Uncertain significance for Hereditary diffuse gastric adenocarcinoma. Last evaluated: 2022-06-24. Review status: criteria provided, single submitter. Criteria: Invitae Variant Classification Sherloc (09022015). Collection method: clinical testing. Allele origin: germline.
Comment: In summary, the available evidence is currently insufficient to determine the role of this variant in disease. Therefore, it has been classified as a Variant of Uncertain Significance. Algorithms developed to predict the effect of missense changes on protein structure and function output the following: SIFT: "Tolerated"; PolyPhen-2: "Benign"; Align-GVGD: "Class C0". The threonine amino acid residue is found in multiple mammalian species, which suggests that this missense change does not adversely affect protein function. This variant has not been reported in the literature in individuals affected with CDH1-related conditions. This variant is not present in population databases (gnomAD no frequency). This sequence change replaces alanine, which is neutral and non-polar, with threonine, which is neutral and polar, at codon 735 of the CDH1 protein (p.Ala735Thr).